The following is an entry in ClinVar:

NM_001366521.1(ATP2B1):c.2950C>T (p.Leu984Phe)

Gene: ATP2B1 (ATPase plasma membrane Ca2+ transporting 1; minus strand). Cytogenetic location: 12q21.33.
Variant type: single nucleotide variant.
Coding change: c.2950C>T on transcript NM_001366521.1 (MANE Select); coding-DNA position 2950, C replaced by T.
Protein change: p.Leu984Phe; replaces leucine 984 with phenylalanine.
Molecular consequence: missense variant. On other transcripts: non-coding transcript variant (3).
Genome position (GRCh38, 1-based): chr12:89,603,153, G>A on the plus strand (C>T on the coding strand, the complement: ATP2B1 is on the minus strand). VCF-style: chr12-89603153-G-A. GRCh37 (hg19) VCF-style: chr12-89996930-G-A.
Other names: c.2950C>T, p.Leu984Phe (NM_001413050.1, NM_001001323.2, NM_001366520.1 and 12 more transcripts); c.2809C>T, p.Leu937Phe (NM_001413051.1, NM_001413052.1, NM_001413055.1); c.2752C>T, p.Leu918Phe (NM_001413053.1, NM_001366530.1); c.2707C>T, p.Leu903Phe (NM_001413054.1); c.2695C>T, p.Leu899Phe (NM_001413056.1); c.2497C>T, p.Leu833Phe (NM_001413057.1); c.2389C>T, p.Leu797Phe (NM_001413058.1, NM_001413059.1, NM_001366531.1 and 2 more transcripts); c.2911C>T, p.Leu971Phe (NM_001413048.1); short protein forms L797F, L833F, L899F, L903F, L918F, L937F, L971F, L984F.
Identifiers: ClinVar variation 3764461 (VCV003764461.2).

ClinVar aggregate classification (germline): Uncertain significance (1 of 4 stars; one submission).

Submission:

GeneDx
Classification: Uncertain significance. Last evaluated: 2026-01-13. Review status: criteria provided, single submitter. Criteria: GeneDx Variant Classification Process June 2021. Collection method: clinical testing. Allele origin: germline.
Comment: Not observed at significant frequency in large population cohorts (gnomAD); In silico analysis supports that this missense variant has a deleterious effect on protein structure/function; Has not been previously published as pathogenic or benign to our knowledge